The following is an entry in ClinVar:

NM_018368.4(LMBRD1):c.1188+17del

Gene: LMBRD1 (LMBR1 domain containing 1; minus strand). Cytogenetic location: 6q13.
Variant type: Deletion.
Coding change: c.1188+17del on transcript NM_018368.4 (MANE Select); 17 bases into the intron after coding-DNA position 1188, one base deleted (G; older notation c.1188+17delG).
Molecular consequence: intron variant.
Genome position (GRCh38, 1-based): chr6:69,700,748, C deleted on the plus strand (G on the coding strand, the reverse complement: LMBRD1 is on the minus strand). VCF-style (leftmost placement, unchanged base first): chr6-69700747-AC-A. GRCh37 (hg19) VCF-style: chr6-70410639-AC-A.
Other names: c.969+17del (NM_001367272.1, NM_001367271.1, NM_001363722.2).
Identifiers: ClinVar variation 420721 (VCV000420721.10), dbSNP rs538437940, ClinGen allele CA3879666.
Genomic context (GRCh38, chr6:69,700,747, plus strand): 5'-TAAATCTAAGATAATTTGTAATTATGGAGATCACACACAAAATGATGAGAAAAAAATAAT[AC>A]TGTAATATATACTTACTCTAATCCAAAAGAACCATATGCCAATATTTCGAATTCCTGCCA-3'

ClinVar aggregate classification (germline): Benign/Likely benign. Review status: criteria provided, multiple submitters, no conflicts (2 of 4 stars). 3 submissions from 3 submitters: Benign (1); Likely benign (2). Last evaluated 2026-02-02.

Conditions:
Methylmalonic aciduria and homocystinuria type cblF. Also called: METHYLMALONIC ACIDEMIA AND HOMOCYSTINURIA, cblF TYPE; METHYLMALONIC ACIDURIA DUE TO VITAMIN B12-RELEASE DEFECT; COBALAMIN F DISEASE; COBALAMIN, DEFECT IN LYSOSOMAL RELEASE OF; VITAMIN B12 LYSOSOMAL RELEASE DEFECT; VITAMIN B12 STORAGE DISEASE. Identifiers: Orphanet 79284, MedGen C1848578, MONDO:0010183, OMIM 277380.

Allele frequency attached by ClinVar (database versions not stated): gnomAD 0.00008 and 0.00011; gnomAD exomes 0.00009 and 0.00019; TOPMed 0.00017; 1000 Genomes Project 30x 0.00047; ExAC 0.00048; 1000 Genomes Project 0.00060.

Submissions (3):

Labcorp Genetics (formerly Invitae), Labcorp
Classification: Benign for Methylmalonic aciduria and homocystinuria type cblF. Last evaluated: 2026-02-02. Review status: criteria provided, single submitter. Criteria: Invitae Variant Classification Sherloc (09022015). Collection method: clinical testing. Allele origin: germline.

Blueprint Genetics
Classification: Likely benign. Last evaluated: 2024-08-22. Review status: criteria provided, single submitter. Criteria: ACMG Guidelines, 2015. Collection method: clinical testing. Allele origin: germline.

GeneDx
Classification: Likely benign. Last evaluated: 2016-04-08. Review status: criteria provided, single submitter. Criteria: GeneDx Variant Classification (06012015). Collection method: clinical testing. Allele origin: germline. Affected: yes.
Comment: This variant is considered likely benign or benign based on one or more of the following criteria: it is a conservative change, it occurs at a poorly conserved position in the protein, it is predicted to be benign by multiple in silico algorithms, and/or has population frequency not consistent with disease.